The following is an entry in ClinVar:

ClinVar aggregate classification (germline): Uncertain significance (1 of 4 stars; one submission).

Conditions:
Cardiomyopathy (CMYO). Also called: Cardiomyopathies. Identifiers: Orphanet 167848, MedGen C0878544, MONDO:0004994, HP:0001638. Inheritance: Various modes of inheritance.

Submission:

Color Diagnostics, LLC DBA Color Health
Classification: Uncertain significance for Cardiomyopathy. Last evaluated: 2025-07-09. Review status: criteria provided, single submitter. Criteria: ACMG Guidelines, 2015. Collection method: clinical testing. Allele origin: germline.
Comment: This missense variant replaces glutamic acid with glycine at codon 3520 of the RYR2 protein. Computational prediction is inconclusive regarding the impact of this variant on protein structure and function. To our knowledge, functional studies have not been reported for this variant. This variant has been reported in an individual affected with cardiomyopathy or arrhythmia (PMID: 33954932). This variant has not been identified in the general population by the Genome Aggregation Database (gnomAD). The available evidence is insufficient to determine the role of this variant in disease conclusively. Therefore, this variant is classified as a Variant of Uncertain Significance.

Literature cited by the submitters: PubMed 33954932.

NM_001035.3(RYR2):c.10559A>G (p.Glu3520Gly)

Gene: RYR2 (ryanodine receptor 2; plus strand). Cytogenetic location: 1q43.
Variant type: single nucleotide variant.
Coding change: c.10559A>G on transcript NM_001035.3 (MANE Select); coding-DNA position 10559, A replaced by G.
Protein change: p.Glu3520Gly; replaces glutamic acid 3520 with glycine.
Molecular consequence: missense variant.
Genome position (GRCh38, 1-based): chr1:237,723,132, A>G. VCF-style: chr1-237723132-A-G. GRCh37 (hg19) VCF-style: chr1-237886432-A-G.
Other names: short protein forms E3520G.
Identifiers: ClinVar variation 4758925 (VCV004758925.1).